The following is an entry in ClinVar:

ClinVar aggregate classification (germline): Uncertain significance (1 of 4 stars; one submission).

Allele frequency attached by ClinVar (database versions not stated): gnomAD exomes below 0.00001.
gnomAD v4.1: 1 of 1,613,500 alleles (0.000062%); highest among the groups gnomAD compares: Non-Finnish European, 0.000085%; no homozygotes.

Submission:

Labcorp Genetics (formerly Invitae), Labcorp
Classification: Uncertain significance. Last evaluated: 2024-10-16. Review status: criteria provided, single submitter. Criteria: Invitae Variant Classification Sherloc (09022015). Collection method: clinical testing. Allele origin: germline.
Comment: This sequence change replaces glycine, which is neutral and non-polar, with serine, which is neutral and polar, at codon 478 of the CAD protein (p.Gly478Ser). This variant is not present in population databases (gnomAD no frequency). This variant has not been reported in the literature in individuals affected with CAD-related conditions. ClinVar contains an entry for this variant (Variation ID: 2001086). Invitae Evidence Modeling of protein sequence and biophysical properties (such as structural, functional, and spatial information, amino acid conservation, physicochemical variation, residue mobility, and thermodynamic stability) indicates that this missense variant is expected to disrupt CAD protein function with a positive predictive value of 80%. In summary, the available evidence is currently insufficient to determine the role of this variant in disease. Therefore, it has been classified as a Variant of Uncertain Significance.

NM_004341.5(CAD):c.1432G>A (p.Gly478Ser)

Gene: CAD (carbamoyl-phosphate synthetase 2, aspartate transcarbamylase, and dihydroorotase; plus strand). Cytogenetic location: 2p23.3.
Variant type: single nucleotide variant.
Coding change: c.1432G>A on transcript NM_004341.5 (MANE Select); coding-DNA position 1432, G replaced by A.
Protein change: p.Gly478Ser; replaces glycine 478 with serine.
Molecular consequence: missense variant.
Genome position (GRCh38, 1-based): chr2:27,225,055, G>A. VCF-style: chr2-27225055-G-A. GRCh37 (hg19) VCF-style: chr2-27447923-G-A.
Other names: c.1432G>A, p.Gly478Ser (NM_001306079.2); short protein forms G478S.
Identifiers: ClinVar variation 2001086 (VCV002001086.4), dbSNP rs2465299338, ClinGen allele CA346204840.